The following is an entry in ClinVar:

NM_024577.4(SH3TC2):c.1639G>A (p.Ala547Thr)

Gene: SH3TC2 (SH3 domain and tetratricopeptide repeats 2; minus strand). Cytogenetic location: 5q32.
Variant type: single nucleotide variant.
Coding change: c.1639G>A on transcript NM_024577.4 (MANE Select); coding-DNA position 1639, G replaced by A.
Protein change: p.Ala547Thr; replaces alanine 547 with threonine.
Molecular consequence: missense variant.
Genome position (GRCh38, 1-based): chr5:149,028,093, C>T on the plus strand (G>A on the coding strand, the complement: SH3TC2 is on the minus strand). VCF-style: chr5-149028093-C-T. GRCh37 (hg19) VCF-style: chr5-148407656-C-T.
Other names: short protein forms A547T.
Identifiers: ClinVar variation 1360399 (VCV001360399.5), dbSNP rs1324539774, ClinGen allele CA361668085.

ClinVar aggregate classification (germline): Uncertain significance (1 of 4 stars; one submission).

Conditions:
Charcot-Marie-Tooth disease type 4. Also called: Charcot-Marie-Tooth, Type 4; Charcot-Marie-Tooth disease, type IV. Identifiers: Orphanet 64749, MedGen C4082197, MONDO:0018995.

Allele frequency attached by ClinVar (database versions not stated): gnomAD 0.00001; gnomAD exomes 0.00001; TOPMed 0.00001.

Submission:

Labcorp Genetics (formerly Invitae), Labcorp
Classification: Uncertain significance for Charcot-Marie-Tooth disease type 4. Last evaluated: 2025-04-30. Review status: criteria provided, single submitter. Criteria: Invitae Variant Classification Sherloc (09022015). Collection method: clinical testing. Allele origin: germline.
Comment: This sequence change replaces alanine, which is neutral and non-polar, with threonine, which is neutral and polar, at codon 547 of the SH3TC2 protein (p.Ala547Thr). This variant is present in population databases (no rsID available, gnomAD 0.01%). This variant has not been reported in the literature in individuals affected with SH3TC2-related conditions. ClinVar contains an entry for this variant (Variation ID: 1360399). Invitae Evidence Modeling of protein sequence and biophysical properties (such as structural, functional, and spatial information, amino acid conservation, physicochemical variation, residue mobility, and thermodynamic stability) indicates that this missense variant is expected to disrupt SH3TC2 protein function with a positive predictive value of 95%. In summary, the available evidence is currently insufficient to determine the role of this variant in disease. Therefore, it has been classified as a Variant of Uncertain Significance.